The following is an entry in ClinVar:

NM_000059.4(BRCA2):c.5941G>A (p.Ala1981Thr)

Gene: BRCA2 (BRCA2 DNA repair associated; plus strand). Cytogenetic location: 13q13.1.
Variant type: single nucleotide variant.
Coding change: c.5941G>A on transcript NM_000059.4 (MANE Select); coding-DNA position 5941, G replaced by A.
Protein change: p.Ala1981Thr; replaces alanine 1981 with threonine.
Molecular consequence: missense variant. On other transcripts: non-coding transcript variant (1), intron variant (2).
Genome position (GRCh38, 1-based): chr13:32,340,296, G>A. VCF-style: chr13-32340296-G-A. GRCh37 (hg19) VCF-style: chr13-32914433-G-A.
Other names: c.5941G>A, p.Ala1981Thr (NM_001406719.1, NM_001406720.1); c.1910-4262G>A (NM_001406721.1); c.425-4262G>A (NM_001406722.1); short protein forms A1981T.
Identifiers: ClinVar variation 2777597 (VCV002777597.3), dbSNP rs2137522505, ClinGen allele CA387787568.

ClinVar aggregate classification (germline): Uncertain significance (1 of 4 stars; one submission).

Conditions:
Hereditary breast ovarian cancer syndrome. Also called: Hereditary breast and ovarian cancer syndrome (HBOC); Hereditary breast and/or ovarian cancer syndrome; Hereditary breast and ovarian cancer; Hereditary breast and ovarian cancer syndrome; BRCA1- and BRCA2-Associated Hereditary Breast and Ovarian Cancer; Breast and ovarian cancer. Identifiers: Orphanet 145, MedGen C0677776, MeSH D061325, MONDO:0003582. Disease mechanism: loss of function.

Submission:

Labcorp Genetics (formerly Invitae), Labcorp
Classification: Uncertain significance for Hereditary breast ovarian cancer syndrome. Last evaluated: 2024-05-15. Review status: criteria provided, single submitter. Criteria: Invitae Variant Classification Sherloc (09022015). Collection method: clinical testing. Allele origin: germline.
Comment: This sequence change replaces alanine, which is neutral and non-polar, with threonine, which is neutral and polar, at codon 1981 of the BRCA2 protein (p.Ala1981Thr). This variant is not present in population databases (gnomAD no frequency). This variant has not been reported in the literature in individuals affected with BRCA2-related conditions. Advanced modeling of protein sequence and biophysical properties (such as structural, functional, and spatial information, amino acid conservation, physicochemical variation, residue mobility, and thermodynamic stability) has been performed at Invitae for this missense variant, however the output from this modeling did not meet the statistical confidence thresholds required to predict the impact of this variant on BRCA2 protein function. In summary, the available evidence is currently insufficient to determine the role of this variant in disease. Therefore, it has been classified as a Variant of Uncertain Significance.